The following is an entry in ClinVar:

NM_001009944.3(PKD1):c.3761C>A (p.Ser1254Ter)

Gene: PKD1 (polycystin 1, transient receptor potential channel interacting; minus strand). Cytogenetic location: 16p13.3.
Variant type: single nucleotide variant.
Coding change: c.3761C>A on transcript NM_001009944.3 (MANE Select); coding-DNA position 3761, C replaced by A.
Protein change: p.Ser1254Ter; replaces serine 1254 with a stop codon.
Molecular consequence: nonsense.
Genome position (GRCh38, 1-based): chr16:2,111,406, G>T on the plus strand (C>A on the coding strand, the complement: PKD1 is on the minus strand). VCF-style: chr16-2111406-G-T. GRCh37 (hg19) VCF-style: chr16-2161407-G-T.
Other names: c.3761C>A, p.Ser1254Ter (NM_000296.4); short protein forms S1254*.
Identifiers: ClinVar variation 3579579 (VCV003579579.2).

ClinVar aggregate classification (germline): Pathogenic. Review status: criteria provided, multiple submitters, no conflicts (2 of 4 stars). 2 submissions from 2 submitters: Pathogenic (2). Last evaluated 2026-07-07.

Conditions:
Polycystic kidney disease, adult type (PKD1). Also called: Polycystic Kidney, Autosomal Dominant; POLYCYSTIC KIDNEY DISEASE, ADULT, TYPE I; Polycystic Kidney Disease 1, Autosomal Dominant; Polycystic kidney disease 1; Polycystic kidney disease 1, severe; POLYCYSTIC KIDNEY DISEASE 1 WITH OR WITHOUT POLYCYSTIC LIVER DISEASE. Identifiers: MedGen C3149841, MONDO:0008263, OMIM 173900.

Submissions (2):

MVZ Medizinische Genetik Mainz
Classification: Pathogenic for Polycystic kidney disease, adult type. Last evaluated: 2026-07-07. Review status: criteria provided, single submitter. Criteria: UK Practice Guidelines For Variant Classification V4 01 2020. Collection method: clinical testing. Allele origin: germline. Inheritance: Autosomal dominant inheritance. Affected: yes. Observed: 1 variant allele.
Comment: ACMG Criteria: PVS1,PS4_SUP,PM2_SUP,PP4

Fulgent Genetics
Classification: Pathogenic for Polycystic kidney disease, adult type. Last evaluated: 2024-05-20. Review status: criteria provided, single submitter. Criteria: ACMG Guidelines, 2015. Collection method: clinical testing. Allele origin: germline.